The following is an entry in ClinVar:

ClinVar aggregate classification (germline): Pathogenic (1 of 4 stars; one submission).

Conditions:
Hereditary cancer-predisposing syndrome. Also called: Neoplastic Syndromes, Hereditary; Tumor predisposition; Hereditary neoplastic syndrome; Hereditary Cancer Syndrome. Identifiers: Orphanet 140162, MedGen C0027672, MeSH D009386, MONDO:0015356.

Submission:

Ambry Genetics
Classification: Pathogenic for Hereditary cancer-predisposing syndrome. Last evaluated: 2024-05-20. Review status: criteria provided, single submitter. Criteria: Ambry Variant Classification Scheme 2023. Collection method: clinical testing. Allele origin: germline.
Comment: The c.439dupA variant, located in coding exon 6 of the SMARCE1 gene, results from a duplication of A at nucleotide position 439, causing a translational frameshift with a predicted alternate stop codon (p.S147Kfs*31). This variant is considered to be rare based on population cohorts in the Genome Aggregation Database (gnomAD). Loss-of-function variants in SMARCE1 are known to cause increased risk of meningiomas; however, such associations with neurodevelopmental disorders are exceedingly rare (Kosho T et al. Am J Med Genet C Semin Med Genet. 2014 Sep;166C(3):262-75; Smith JM et al. Nat Genet. 2013 Mar;45(3):295-8). This alteration is expected to result in loss of function by premature protein truncation or nonsense-mediated mRNA decay. Based on the supporting evidence, this alteration is pathogenic for an increased risk of meningiomas; however, the association of this alteration with an increased risk of Coffin-Siris syndrome is unlikely.

NM_003079.5(SMARCE1):c.439dup (p.Ser147fs)

Gene: SMARCE1 (SWI/SNF related BAF chromatin remodeling complex subunit E1; minus strand). Cytogenetic location: 17q21.2.
Variant type: Duplication.
Coding change: c.439dup on transcript NM_003079.5 (MANE Select); coding-DNA position 439, one base duplicated (A; older notation c.439dupA).
Protein change: p.Ser147fs; shifts the reading frame from serine 147.
Molecular consequence: frameshift variant.
Genome position (GRCh38, 1-based): chr17:40,636,033, T duplicated on the plus strand (A on the coding strand, the reverse complement: SMARCE1 is on the minus strand); the first of 5 consecutive T bases (chr17:40,636,033-40,636,037); duplicating any one gives the same sequence. VCF-style (leftmost placement, unchanged base first): chr17-40636032-C-CT. GRCh37 (hg19) VCF-style: chr17-38792284-C-CT.
Other names: c.439dupA (NM_003079.4); short protein forms S147fs.
Identifiers: ClinVar variation 3320856 (VCV003320856.1).